The following is an entry in ClinVar:

ClinVar aggregate classification (germline): Uncertain significance. Review status: criteria provided, multiple submitters, no conflicts (2 of 4 stars). 2 submissions from 2 submitters: Uncertain significance (2). Last evaluated 2024-10-04.

Conditions:
Short-rib thoracic dysplasia 13 with or without polydactyly (SRTD13). Identifiers: Orphanet 474, MedGen C4225378, MONDO:0014577, OMIM 616300.

Allele frequency attached by ClinVar (database versions not stated): TOPMed 0.00002; ExAC 0.00004.
gnomAD v4.1: 23 of 1,610,642 alleles (0.0014%); highest among the groups gnomAD compares: Middle Eastern, 0.033%; no homozygotes.

Submissions (2):

Blueprint Genetics
Classification: Uncertain significance. Last evaluated: 2024-10-04. Review status: criteria provided, single submitter. Criteria: ACMG Guidelines, 2015. Collection method: clinical testing. Allele origin: germline.

Labcorp Genetics (formerly Invitae), Labcorp
Classification: Uncertain significance for Short-rib thoracic dysplasia 13 with or without polydactyly. Last evaluated: 2023-08-11. Review status: criteria provided, single submitter. Criteria: Invitae Variant Classification Sherloc (09022015). Collection method: clinical testing. Allele origin: germline.
Comment: This sequence change replaces arginine, which is basic and polar, with cysteine, which is neutral and slightly polar, at codon 756 of the CEP120 protein (p.Arg756Cys). This variant has not been reported in the literature in individuals affected with CEP120-related conditions. In summary, the available evidence is currently insufficient to determine the role of this variant in disease. Therefore, it has been classified as a Variant of Uncertain Significance. Advanced modeling of protein sequence and biophysical properties (such as structural, functional, and spatial information, amino acid conservation, physicochemical variation, residue mobility, and thermodynamic stability) performed at Invitae indicates that this missense variant is expected to disrupt CEP120 protein function. ClinVar contains an entry for this variant (Variation ID: 2194904). This variant is present in population databases (no rsID available, gnomAD 0.005%).

NM_001375405.1(CEP120):c.2266C>T (p.Arg756Cys)

Gene: CEP120 (centrosomal protein 120; minus strand). Cytogenetic location: 5q23.2.
Variant type: single nucleotide variant.
Coding change: c.2266C>T on transcript NM_001375405.1 (MANE Select); coding-DNA position 2266, C replaced by T.
Protein change: p.Arg756Cys; replaces arginine 756 with cysteine.
Molecular consequence: missense variant. On other transcripts: non-coding transcript variant (1).
Genome position (GRCh38, 1-based): chr5:123,377,466, G>A on the plus strand (C>T on the coding strand, the complement: CEP120 is on the minus strand). VCF-style: chr5-123377466-G-A. GRCh37 (hg19) VCF-style: chr5-122713160-G-A.
Other names: c.2188C>T, p.Arg730Cys (NM_001166226.2); c.2131C>T, p.Arg711Cys (NM_001375406.1); c.2266C>T, p.Arg756Cys (NM_001375407.1, NM_153223.4); c.1693C>T, p.Arg565Cys (NM_001375408.1, NM_001375409.1); short protein forms R711C, R565C, R756C, R730C.
Identifiers: ClinVar variation 2194904 (VCV002194904.5), dbSNP rs1005671778, ClinGen allele CA3386677.